The following is an entry in ClinVar:

NM_015459.5(ATL3):c.1591G>T (p.Val531Phe)

Genes: ATL3 (atlastin GTPase 3; minus strand), LNCROPM (lncRNA regulator of PLAAT3 mediated phospholipid metabolism; plus strand). Cytogenetic location: 11q13.1.
Variant type: single nucleotide variant.
Coding change: c.1591G>T on transcript NM_015459.5 (MANE Select); coding-DNA position 1591, G replaced by T.
Protein change: p.Val531Phe; replaces valine 531 with phenylalanine.
Molecular consequence: missense variant.
Genome position (GRCh38, 1-based): chr11:63,629,354, C>A on the plus strand (G>T on the coding strand, the complement: ATL3 is on the minus strand). VCF-style: chr11-63629354-C-A. GRCh37 (hg19) VCF-style: chr11-63396826-C-A.
Other names: c.1537G>T, p.Val513Phe (NM_001290048.2); c.1540G>T, p.Val514Phe (NM_001440716.1); c.1534G>T, p.Val512Phe (NM_001440717.1); c.1519G>T, p.Val507Phe (NM_001440718.1); c.1486G>T, p.Val496Phe (NM_001440719.1); c.1480G>T, p.Val494Phe (NM_001440720.1); c.1435G>T, p.Val479Phe (NM_001440721.1); c.1378G>T, p.Val460Phe (NM_001440722.1); short protein forms V460F, V479F, V494F, V496F, V507F, V512F, V513F, V514F.
Identifiers: ClinVar variation 4823198 (VCV004823198.4).

ClinVar aggregate classification (germline): Uncertain significance (1 of 4 stars; one submission).

Submission:

CeGaT Center for Human Genetics Tuebingen
Classification: Uncertain significance. Last evaluated: 2026-02-01. Review status: criteria provided, single submitter. Criteria: CeGaT Center For Human Genetics Tuebingen Variant Classification Criteria Version 2. Collection method: clinical testing. Allele origin: germline. Affected: yes. Observed: 1 variant allele.
Comment: ATL3: PM2, BP4